The following is an entry in ClinVar:

ClinVar aggregate classification (germline): Benign (1 of 4 stars; one submission).

Allele frequency attached by ClinVar (database versions not stated): gnomAD 0.36725 and 0.37060; TOPMed 0.38057; 1000 Genomes Project 0.40875.
gnomAD v4.1: 56,355 of 151,792 alleles (37%); highest among the groups gnomAD compares: East Asian, 58%; 10,683 homozygotes.

Submission:

GeneDx
Classification: Benign. Last evaluated: 2018-06-19. Review status: criteria provided, single submitter. Criteria: GeneDx Variant Classification (06012015). Collection method: clinical testing. Allele origin: germline. Affected: yes.
Comment: This variant is considered likely benign or benign based on one or more of the following criteria: it is a conservative change, it occurs at a poorly conserved position in the protein, it is predicted to be benign by multiple in silico algorithms, and/or has population frequency not consistent with disease.

NM_001291303.3(FAT4):c.12214-270C>T

Gene: FAT4 (FAT atypical cadherin 4; plus strand). Cytogenetic location: 4q28.1.
Variant type: single nucleotide variant.
Coding change: c.12214-270C>T on transcript NM_001291303.3 (MANE Select); 270 bases into the intron before coding-DNA position 12214, C replaced by T.
Molecular consequence: intron variant.
Genome position (GRCh38, 1-based): chr4:125,475,901, C>T. VCF-style: chr4-125475901-C-T. GRCh37 (hg19) VCF-style: chr4-126397056-C-T.
Other names: c.12214-270C>T (NM_001291285.3); c.12208-270C>T (NM_024582.6).
Identifiers: ClinVar variation 668140 (VCV000668140.1), dbSNP rs67399037, ClinGen allele CA11836206.